The following is an entry in ClinVar:

NM_014009.4(FOXP3):c.337G>T (p.Ala113Ser)

Gene: FOXP3 (forkhead box P3; minus strand). Cytogenetic location: Xp11.23.
Variant type: single nucleotide variant.
Coding change: c.337G>T on transcript NM_014009.4 (MANE Select); coding-DNA position 337, G replaced by T.
Protein change: p.Ala113Ser; replaces alanine 113 with serine.
Molecular consequence: missense variant.
Genome position (GRCh38, 1-based): chrX:49,257,544, C>A on the plus strand (G>T on the coding strand, the complement: FOXP3 is on the minus strand). VCF-style: chrX-49257544-C-A. GRCh37 (hg19) VCF-style: chrX-49114001-C-A.
Other names: c.232G>T, p.Ala78Ser (NM_001114377.2); short protein forms A113S, A78S.
Identifiers: ClinVar variation 643578 (VCV000643578.10), dbSNP rs1398753395, ClinGen allele CA412953176.
Genomic context (GRCh38, chrX:49,257,544, plus strand): 5'-GTGTGAGGCTGATCATGGCTGGGCTCTCCAGGGGGTGCACCTGCAGCACAGGGGTCCGGG[C>A]GTGGGCATCCACCGTTGAGAGCTGGGGGGCACATGTGGGCTGTGGTTCAGCCTGACTCGG-3'
Protein context (NP_054728.2, residues 103-123): MHQLSTVDAH[Ala113Ser]RTPVLQVHPL

ClinVar aggregate classification (germline): Uncertain significance. Review status: criteria provided, multiple submitters, no conflicts (2 of 4 stars). 3 submissions from 3 submitters: Uncertain significance (3). Last evaluated 2025-08-12.

Conditions:
Insulin-dependent diabetes mellitus secretory diarrhea syndrome (IPEX). Also called: Immune dysregulation-polyendocrinopathy-enteropathy-X-linked syndrome; IMMUNODEFICIENCY, POLYENDOCRINOPATHY, AND ENTEROPATHY, X-LINKED; DIABETES MELLITUS, CONGENITAL INSULIN-DEPENDENT, WITH FATAL SECRETORY DIARRHEA; DIARRHEA, POLYENDOCRINOPATHY, FATAL INFECTION SYNDROME, X-LINKED; ENTEROPATHY, AUTOIMMUNE, WITH HEMOLYTIC ANEMIA AND POLYENDOCRINOPATHY; X-Linked Autoimmunity-Allergic Dysregulation Syndrome. Identifiers: Orphanet 37042, MedGen C0342288, MONDO:0010580, OMIM 304790. Disease mechanism: loss of function.
Inborn genetic diseases. Identifiers: MedGen C0950123, MeSH D030342.

Allele frequency attached by ClinVar (database versions not stated): TOPMed 0.00002.
gnomAD v4.1: 3 of 1,181,846 alleles (0.00025%); highest among the groups gnomAD compares: Admixed American, 0.0067%; no homozygotes.

Submissions (3):

Ambry Genetics
Classification: Uncertain significance for Inborn genetic diseases. Last evaluated: 2025-08-12. Review status: criteria provided, single submitter. Criteria: Ambry Variant Classification Scheme 2023. Collection method: clinical testing. Allele origin: germline.

Labcorp Genetics (formerly Invitae), Labcorp
Classification: Uncertain significance for Insulin-dependent diabetes mellitus secretory diarrhea syndrome. Last evaluated: 2024-01-11. Review status: criteria provided, single submitter. Criteria: Invitae Variant Classification Sherloc (09022015). Collection method: clinical testing. Allele origin: germline.
Comment: This sequence change replaces alanine, which is neutral and non-polar, with serine, which is neutral and polar, at codon 113 of the FOXP3 protein (p.Ala113Ser). The frequency data for this variant in the population databases is considered unreliable, as metrics indicate poor data quality at this position in the gnomAD database. This variant has not been reported in the literature in individuals affected with FOXP3-related conditions. ClinVar contains an entry for this variant (Variation ID: 643578). Advanced modeling of protein sequence and biophysical properties (such as structural, functional, and spatial information, amino acid conservation, physicochemical variation, residue mobility, and thermodynamic stability) performed at Invitae indicates that this missense variant is not expected to disrupt FOXP3 protein function with a negative predictive value of 80%. In summary, the available evidence is currently insufficient to determine the role of this variant in disease. Therefore, it has been classified as a Variant of Uncertain Significance.

Fulgent Genetics
Classification: Uncertain significance for Insulin-dependent diabetes mellitus secretory diarrhea syndrome. Last evaluated: 2021-12-08. Review status: criteria provided, single submitter. Criteria: ACMG Guidelines, 2015. Collection method: clinical testing. Allele origin: unknown.